The following is an entry in ClinVar:

ClinVar aggregate classification (germline): Uncertain significance (1 of 4 stars; one submission).

Conditions:
Ullrich congenital muscular dystrophy 2 (UCMD2). Identifiers: Orphanet 75840, MedGen C4225314, MONDO:0014654, OMIM 616470.
Bethlem myopathy 2 (BTHLM2). Identifiers: Orphanet 536516, Orphanet 610, MedGen C4225313, MONDO:0034022, OMIM 616471.

gnomAD v4.1: 1 of 1,606,734 alleles (0.000062%); highest among the groups gnomAD compares: Admixed American, 0.0017%; no homozygotes.

Submission:

Labcorp Genetics (formerly Invitae), Labcorp
Classification: Uncertain significance for Bethlem myopathy 2; Ullrich congenital muscular dystrophy 2. Last evaluated: 2023-08-04. Review status: criteria provided, single submitter. Criteria: Invitae Variant Classification Sherloc (09022015). Collection method: clinical testing. Allele origin: germline.
Comment: This variant has not been reported in the literature in individuals affected with COL12A1-related conditions. This sequence change replaces histidine, which is basic and polar, with glutamine, which is neutral and polar, at codon 2289 of the COL12A1 protein (p.His2289Gln). This variant is present in population databases (no rsID available, gnomAD 0.003%). ClinVar contains an entry for this variant (Variation ID: 1714711). Advanced modeling of protein sequence and biophysical properties (such as structural, functional, and spatial information, amino acid conservation, physicochemical variation, residue mobility, and thermodynamic stability) performed at Invitae indicates that this missense variant is not expected to disrupt COL12A1 protein function. In summary, the available evidence is currently insufficient to determine the role of this variant in disease. Therefore, it has been classified as a Variant of Uncertain Significance.

NM_004370.6(COL12A1):c.6867T>G (p.His2289Gln)

Gene: COL12A1 (collagen type XII alpha 1 chain; minus strand). Cytogenetic location: 6q13.
Variant type: single nucleotide variant.
Coding change: c.6867T>G on transcript NM_004370.6 (MANE Select); coding-DNA position 6867, T replaced by G.
Protein change: p.His2289Gln; replaces histidine 2289 with glutamine.
Molecular consequence: missense variant.
Genome position (GRCh38, 1-based): chr6:75,123,952, A>C on the plus strand (T>G on the coding strand, the complement: COL12A1 is on the minus strand). VCF-style: chr6-75123952-A-C. GRCh37 (hg19) VCF-style: chr6-75833668-A-C.
Other names: c.3375T>G, p.His1125Gln (NM_080645.3); short protein forms H1125Q, H2289Q.
Identifiers: ClinVar variation 1714711 (VCV001714711.6), dbSNP rs759908990, ClinGen allele CA364728285.